The following is an entry in ClinVar:

NM_006767.4(LZTR1):c.1742T>C (p.Val581Ala)

Gene: LZTR1 (leucine zipper like post translational regulator 1; plus strand). Cytogenetic location: 22q11.21.
Variant type: single nucleotide variant.
Coding change: c.1742T>C on transcript NM_006767.4 (MANE Select); coding-DNA position 1742, T replaced by C.
Protein change: p.Val581Ala; replaces valine 581 with alanine.
Molecular consequence: missense variant.
Genome position (GRCh38, 1-based): chr22:20,994,684, T>C. VCF-style: chr22-20994684-T-C. GRCh37 (hg19) VCF-style: chr22-21348973-T-C.
Other names: short protein forms V581A.
Identifiers: ClinVar variation 1779225 (VCV001779225.9), dbSNP rs1391071569, ClinGen allele CA410778194.
Genomic context (GRCh38, chr22:20,994,684, plus strand): 5'-GCCTGGAGCAGCTGTGCCGCCAGTACATCGAGGCCTCCGTGGACCTGCAGAACGTGCTGG[T>C]TGTGTGCGAGAGTGCCGCCCGGCTGCAGCTGAGCCAACTCAAGGTGTGGGGTGGGGTCAG-3'
Protein context (NP_006758.2, residues 571-591): EASVDLQNVL[Val581Ala]VCESAARLQL

ClinVar aggregate classification (germline): Uncertain significance. Review status: criteria provided, multiple submitters, no conflicts (2 of 4 stars). 3 submissions from 3 submitters: Uncertain significance (3). Last evaluated 2025-10-08.

Conditions:
Cardiovascular phenotype. Identifiers: MedGen CN230736.
Hereditary cancer-predisposing syndrome. Also called: Neoplastic Syndromes, Hereditary; Tumor predisposition; Hereditary Cancer Syndrome; Hereditary neoplastic syndrome. Identifiers: Orphanet 140162, MedGen C0027672, MeSH D009386, MONDO:0015356.
LZTR1-related schwannomatosis. Also called: Schwannomatosis-2, susceptibility to; Schwannomatosis 2. Identifiers: Orphanet 93921, MedGen C3810283, MONDO:0014299, OMIM 615670.

Allele frequency attached by ClinVar (database versions not stated): gnomAD exomes 0.00001.
gnomAD v4.1: 5 of 1,612,804 alleles (0.00031%); highest among the groups gnomAD compares: Admixed American, 0.0017%; no homozygotes.

Submissions (3):

Labcorp Genetics (formerly Invitae), Labcorp
Classification: Uncertain significance. Last evaluated: 2025-10-08. Review status: criteria provided, single submitter. Criteria: Invitae Variant Classification Sherloc (09022015). Collection method: clinical testing. Allele origin: germline.
Comment: This sequence change replaces valine, which is neutral and non-polar, with alanine, which is neutral and non-polar, at codon 581 of the LZTR1 protein (p.Val581Ala). The frequency data for this variant in the population databases is considered unreliable, as metrics indicate poor data quality at this position in the gnomAD database. This variant has not been reported in the literature in individuals affected with LZTR1-related conditions. ClinVar contains an entry for this variant (Variation ID: 1779225). Invitae Evidence Modeling of protein sequence and biophysical properties (such as structural, functional, and spatial information, amino acid conservation, physicochemical variation, residue mobility, and thermodynamic stability) indicates that this missense variant is not expected to disrupt LZTR1 protein function with a negative predictive value of 80%. In summary, the available evidence is currently insufficient to determine the role of this variant in disease. Therefore, it has been classified as a Variant of Uncertain Significance.

Ambry Genetics
Classification: Uncertain significance for Cardiovascular phenotype; Hereditary cancer-predisposing syndrome. Last evaluated: 2025-09-07. Review status: criteria provided, single submitter. Criteria: Ambry Variant Classification Scheme 2023. Collection method: clinical testing. Allele origin: germline.
Comment: The p.V581A variant (also known as c.1742T>C), located in coding exon 15 of the LZTR1 gene, results from a T to C substitution at nucleotide position 1742. The valine at codon 581 is replaced by alanine, an amino acid with similar properties. This amino acid position is not well conserved in available vertebrate species. In addition, this alteration is predicted to be tolerated by in silico analysis. Since supporting evidence is limited at this time, the clinical significance of this alteration remains unclear.

Baylor Genetics
Classification: Uncertain significance for LZTR1-related schwannomatosis. Last evaluated: 2024-03-14. Review status: criteria provided, single submitter. Criteria: ACMG Guidelines, 2015. Collection method: clinical testing. Allele origin: unknown.